The following is an entry in ClinVar:

NM_015192.4(PLCB1):c.3074A>G (p.Tyr1025Cys)

Gene: PLCB1 (phospholipase C beta 1; plus strand). Cytogenetic location: 20p12.3.
Variant type: single nucleotide variant.
Coding change: c.3074A>G on transcript NM_015192.4 (MANE Select); coding-DNA position 3074, A replaced by G.
Protein change: p.Tyr1025Cys; replaces tyrosine 1025 with cysteine.
Molecular consequence: missense variant.
Genome position (GRCh38, 1-based): chr20:8,774,682, A>G. VCF-style: chr20-8774682-A-G. GRCh37 (hg19) VCF-style: chr20-8755329-A-G.
Other names: c.3074A>G, p.Tyr1025Cys (NM_182734.3); c.3074A>G (NM_015192.2); short protein forms Y1025C.
Identifiers: ClinVar variation 862658 (VCV000862658.11), dbSNP rs1250342429, ClinGen allele CA408209324.

ClinVar aggregate classification (germline): Uncertain significance. Review status: criteria provided, multiple submitters, no conflicts (2 of 4 stars). 2 submissions from 2 submitters: Uncertain significance (2). Last evaluated 2024-02-28.

Conditions:
Inborn genetic diseases. Identifiers: MedGen C0950123, MeSH D030342.
Developmental and epileptic encephalopathy, 12 (DEE12). Identifiers: MedGen C3150988, MONDO:0013389, OMIM 613722.

Allele frequency attached by ClinVar (database versions not stated): gnomAD 0.00001; gnomAD exomes 0.00001; TOPMed 0.00001.
gnomAD v4.1: 13 of 1,611,112 alleles (0.00081%); highest among the groups gnomAD compares: East Asian, 0.0022%; no homozygotes.

Submissions (2):

Ambry Genetics
Classification: Uncertain significance for Inborn genetic diseases. Last evaluated: 2024-02-28. Review status: criteria provided, single submitter. Criteria: Ambry Variant Classification Scheme 2023. Collection method: clinical testing. Allele origin: germline.

Labcorp Genetics (formerly Invitae), Labcorp
Classification: Uncertain significance for Developmental and epileptic encephalopathy, 12. Last evaluated: 2022-03-23. Review status: criteria provided, single submitter. Criteria: Invitae Variant Classification Sherloc (09022015). Collection method: clinical testing. Allele origin: germline.
Comment: In summary, the available evidence is currently insufficient to determine the role of this variant in disease. Therefore, it has been classified as a Variant of Uncertain Significance. Algorithms developed to predict the effect of missense changes on protein structure and function are either unavailable or do not agree on the potential impact of this missense change (SIFT: "Deleterious"; PolyPhen-2: "Probably Damaging"; Align-GVGD: "Class C0"). ClinVar contains an entry for this variant (Variation ID: 862658). This variant has not been reported in the literature in individuals affected with PLCB1-related conditions. This variant is present in population databases (no rsID available, gnomAD 0.006%). This sequence change replaces tyrosine, which is neutral and polar, with cysteine, which is neutral and slightly polar, at codon 1025 of the PLCB1 protein (p.Tyr1025Cys).